The following is an entry in ClinVar:

NM_001291303.3(FAT4):c.5362C>T (p.Arg1788Cys)

Gene: FAT4 (FAT atypical cadherin 4; plus strand). Cytogenetic location: 4q28.1.
Variant type: single nucleotide variant.
Coding change: c.5362C>T on transcript NM_001291303.3 (MANE Select); coding-DNA position 5362, C replaced by T.
Protein change: p.Arg1788Cys; replaces arginine 1788 with cysteine.
Molecular consequence: missense variant.
Genome position (GRCh38, 1-based): chr4:125,406,934, C>T. VCF-style: chr4-125406934-C-T. GRCh37 (hg19) VCF-style: chr4-126328089-C-T.
Other names: c.5362C>T, p.Arg1788Cys (NM_001291285.3, NM_024582.6); short protein forms R1788C.
Identifiers: ClinVar variation 1524710 (VCV001524710.4), dbSNP rs768397789, ClinGen allele CA3072697.

ClinVar aggregate classification (germline): Uncertain significance (1 of 4 stars; one submission).

Allele frequency attached by ClinVar (database versions not stated): gnomAD 0.00001; TOPMed 0.00001; ExAC 0.00002; gnomAD exomes 0.00002.
gnomAD v4.1: 30 of 1,613,682 alleles (0.0019%); highest among the groups gnomAD compares: South Asian, 0.024%; no homozygotes.

Submission:

Labcorp Genetics (formerly Invitae), Labcorp
Classification: Uncertain significance. Last evaluated: 2021-11-29. Review status: criteria provided, single submitter. Criteria: Invitae Variant Classification Sherloc (09022015). Collection method: clinical testing. Allele origin: germline.
Comment: This missense change has been observed in individual(s) with a developmental disorder (PMID: 31785789). In summary, the available evidence is currently insufficient to determine the role of this variant in disease. Therefore, it has been classified as a Variant of Uncertain Significance. Advanced modeling of protein sequence and biophysical properties (such as structural, functional, and spatial information, amino acid conservation, physicochemical variation, residue mobility, and thermodynamic stability) performed at Invitae indicates that this missense variant is not expected to disrupt FAT4 protein function. This variant is present in population databases (rs768397789, gnomAD 0.02%). This sequence change replaces arginine, which is basic and polar, with cysteine, which is neutral and slightly polar, at codon 1788 of the FAT4 protein (p.Arg1788Cys).

Literature cited by the submitters: PubMed 31785789.